The following is an entry in ClinVar:

NM_020699.4(GATAD2B):c.1467G>A (p.Thr489=)

Gene: GATAD2B (GATA zinc finger domain containing 2B; minus strand). Cytogenetic location: 1q21.3.
Variant type: single nucleotide variant.
Coding change: c.1467G>A on transcript NM_020699.4 (MANE Select); coding-DNA position 1467, G replaced by A.
Protein change: p.Thr489=; no amino-acid change (threonine 489 retained).
Molecular consequence: synonymous variant.
Genome position (GRCh38, 1-based): chr1:153,812,085, C>T on the plus strand (G>A on the coding strand, the complement: GATAD2B is on the minus strand). VCF-style: chr1-153812085-C-T. GRCh37 (hg19) VCF-style: chr1-153784561-C-T.
Identifiers: ClinVar variation 1195383 (VCV001195383.5), dbSNP rs763266883, ClinGen allele CA1120639.

ClinVar aggregate classification (germline): Conflicting classifications of pathogenicity. Review status: criteria provided, conflicting classifications (1 of 4 stars). 2 submissions from 2 submitters: Uncertain significance (1); Likely benign (1). Last evaluated 2023-02-14.

Allele frequency attached by ClinVar (database versions not stated): ExAC 0.00001; gnomAD 0.00001; gnomAD exomes 0.00001.
gnomAD v4.1: 4 of 1,613,184 alleles (0.00025%); highest among the groups gnomAD compares: Admixed American, 0.0017%; no homozygotes.

Submissions (2):

Labcorp Genetics (formerly Invitae), Labcorp
Classification: Likely benign. Last evaluated: 2023-02-14. Review status: criteria provided, single submitter. Criteria: Invitae Variant Classification Sherloc (09022015). Collection method: clinical testing. Allele origin: germline.

GeneDx
Classification: Uncertain significance. Last evaluated: 2019-11-27. Review status: criteria provided, single submitter. Criteria: GeneDx Variant Classification Process June 2021. Collection method: clinical testing. Allele origin: germline. Affected: yes.
Comment: Has not been previously published as pathogenic or benign to our knowledge; In-silico analysis, which includes splice predictors and evolutionary conservation, is inconclusive as to whether the variant alters gene splicing. In the absence of RNA/functional studies, the actual effect of this sequence change is unknown